The following is an entry in ClinVar:

ClinVar aggregate classification (germline): Uncertain significance. Review status: criteria provided, multiple submitters, no conflicts (2 of 4 stars). 2 submissions from 2 submitters: Uncertain significance (2). Last evaluated 2025-02-03.

Conditions:
Smith-Lemli-Opitz syndrome (SLOS). Also called: LETHAL ACRODYSGENITAL SYNDROME; POLYDACTYLY, SEX REVERSAL, RENAL HYPOPLASIA, AND UNILOBAR LUNG; RSH SYNDROME; RUTLEDGE LETHAL MULTIPLE CONGENITAL ANOMALY SYNDROME; 7-Dehydrocholesterol reductase deficiency. Identifiers: Orphanet 818, MedGen C0175694, MONDO:0010035, OMIM 270400.

Submissions (2):

GeneDx
Classification: Uncertain significance. Last evaluated: 2025-02-03. Review status: criteria provided, single submitter. Criteria: GeneDx Variant Classification Process June 2021. Collection method: clinical testing. Allele origin: germline. Affected: yes.
Comment: Not observed at significant frequency in large population cohorts (gnomAD); In silico analysis supports that this missense variant has a deleterious effect on protein structure/function; Has not been previously published as pathogenic or benign to our knowledge

Labcorp Genetics (formerly Invitae), Labcorp
Classification: Uncertain significance for Smith-Lemli-Opitz syndrome. Last evaluated: 2024-10-10. Review status: criteria provided, single submitter. Criteria: Invitae Variant Classification Sherloc (09022015). Collection method: clinical testing. Allele origin: germline.
Comment: This sequence change replaces tryptophan, which is neutral and slightly polar, with glycine, which is neutral and non-polar, at codon 37 of the DHCR7 protein (p.Trp37Gly). This variant is not present in population databases (gnomAD no frequency). This variant has not been reported in the literature in individuals affected with DHCR7-related conditions. Invitae Evidence Modeling of protein sequence and biophysical properties (such as structural, functional, and spatial information, amino acid conservation, physicochemical variation, residue mobility, and thermodynamic stability) has been performed for this missense variant. However, the output from this modeling did not meet the statistical confidence thresholds required to predict the impact of this variant on DHCR7 protein function. In summary, the available evidence is currently insufficient to determine the role of this variant in disease. Therefore, it has been classified as a Variant of Uncertain Significance.

NM_001360.3(DHCR7):c.109T>G (p.Trp37Gly)

Gene: DHCR7 (7-dehydrocholesterol reductase; minus strand). Cytogenetic location: 11q13.4.
Variant type: single nucleotide variant.
Coding change: c.109T>G on transcript NM_001360.3 (MANE Select); coding-DNA position 109, T replaced by G.
Protein change: p.Trp37Gly; replaces tryptophan 37 with glycine.
Molecular consequence: missense variant. On other transcripts: 5 prime UTR variant (1), intron variant (3).
Genome position (GRCh38, 1-based): chr11:71,444,205, A>C on the plus strand (T>G on the coding strand, the complement: DHCR7 is on the minus strand). VCF-style: chr11-71444205-A-C. GRCh37 (hg19) VCF-style: chr11-71155251-A-C.
Other names: c.109T>G, p.Trp37Gly (NM_001163817.2, NM_001425107.1, NM_001425108.1 and 8 more transcripts); c.-66T>G (NM_001425117.1); c.99-86T>G (NM_001425114.1, NM_001425116.1, NM_001425113.1); short protein forms W37G.
Identifiers: ClinVar variation 3729791 (VCV003729791.3).